The following is an entry in ClinVar:

ClinVar aggregate classification (germline): Pathogenic (1 of 4 stars; one submission).

Conditions:
Glutathione synthetase deficiency with 5-oxoprolinuria. Also called: PYROGLUTAMIC ACIDURIA; 5-Oxoprolinuria; Gluthathione synthetase deficiency; 5-OXOPROLINURIA DUE TO GLUTATHIONE SYNTHETASE DEFICIENCY; Reduced glutathione synthetase level. Identifiers: Orphanet 289846, MedGen C0398746, MONDO:0009947, OMIM 266130, HP:0003343.

Submission:

Labcorp Genetics (formerly Invitae), Labcorp
Classification: Pathogenic for Glutathione synthetase deficiency with 5-oxoprolinuria. Last evaluated: 2024-03-12. Review status: criteria provided, single submitter. Criteria: Invitae Variant Classification Sherloc (09022015). Collection method: clinical testing. Allele origin: germline.
Comment: This sequence change creates a premature translational stop signal (p.Trp5*) in the GSS gene. It is expected to result in an absent or disrupted protein product. Loss-of-function variants in GSS are known to be pathogenic (PMID: 12638941, 15717202). This variant is not present in population databases (gnomAD no frequency). This variant has not been reported in the literature in individuals affected with GSS-related conditions. For these reasons, this variant has been classified as Pathogenic.

Literature cited by the submitters: PubMed 12638941; PubMed 15717202.

NM_000178.4(GSS):c.14G>A (p.Trp5Ter)

Gene: GSS (glutathione synthetase; minus strand). Cytogenetic location: 20q11.22.
Variant type: single nucleotide variant.
Coding change: c.14G>A on transcript NM_000178.4 (MANE Select); coding-DNA position 14, G replaced by A.
Protein change: p.Trp5Ter; replaces tryptophan 5 with a stop codon.
Molecular consequence: nonsense.
Genome position (GRCh38, 1-based): chr20:34,951,839, C>T on the plus strand (G>A on the coding strand, the complement: GSS is on the minus strand). VCF-style: chr20-34951839-C-T. GRCh37 (hg19) VCF-style: chr20-33539642-C-T.
Other names: c.14G>A, p.Trp5Ter (NM_001322494.1, NM_001322495.1); short protein forms W5*.
Identifiers: ClinVar variation 3699755 (VCV003699755.2).
Genomic context (GRCh38, chr20:34,951,839, plus strand): 5'-CGGTCCACGGCCTGCCGTGCCAGCTCCTCTAGCTGCTGTTTATCCTGCAAGAGGCTCCCC[C>T]AGTTGGTGGCCATCCCAACACCTGCAAAAGATGGAGAGAAGAGAGTTGGTAACAGATGGC-3'